The following is an entry in ClinVar:

ClinVar aggregate classification (germline): Likely benign (1 of 4 stars; one submission).

Allele frequency attached by ClinVar (database versions not stated): 1000 Genomes Project 30x 0.00094; 1000 Genomes Project 0.00100; TOPMed 0.00293; ESP Exome Variant Server 0.00423; gnomAD 0.00427.
gnomAD v4.1: 8,077 of 1,613,896 alleles (0.5%); highest among the groups gnomAD compares: Non-Finnish European, 0.57%; 24 homozygotes.

Submission:

CeGaT Center for Human Genetics Tuebingen
Classification: Likely benign. Last evaluated: 2023-04-01. Review status: criteria provided, single submitter. Criteria: CeGaT Center For Human Genetics Tuebingen Variant Classification Criteria Version 2. Collection method: clinical testing. Allele origin: germline. Affected: yes. Observed: 3 variant alleles.
Comment: NID2: BS2

NM_007361.4(NID2):c.2176G>A (p.Val726Met)

Gene: NID2 (nidogen 2; minus strand). Cytogenetic location: 14q22.1.
Variant type: single nucleotide variant.
Coding change: c.2176G>A on transcript NM_007361.4 (MANE Select); coding-DNA position 2176, G replaced by A.
Protein change: p.Val726Met; replaces valine 726 with methionine.
Molecular consequence: missense variant.
Genome position (GRCh38, 1-based): chr14:52,038,828, C>T on the plus strand (G>A on the coding strand, the complement: NID2 is on the minus strand). VCF-style: chr14-52038828-C-T. GRCh37 (hg19) VCF-style: chr14-52505546-C-T.
Other names: short protein forms V726M.
Identifiers: ClinVar variation 2644237 (VCV002644237.24), dbSNP rs35147930, ClinGen allele CA7186746.